The following is an entry in ClinVar:

NM_014956.5(CEP164):c.2913+4T>G

Gene: CEP164 (centrosomal protein 164; plus strand). Cytogenetic location: 11q23.3.
Variant type: single nucleotide variant.
Coding change: c.2913+4T>G on transcript NM_014956.5 (MANE Select); 4 bases into the intron after coding-DNA position 2913, T replaced by G.
Molecular consequence: intron variant.
Genome position (GRCh38, 1-based): chr11:117,395,195, T>G. VCF-style: chr11-117395195-T-G. GRCh37 (hg19) VCF-style: chr11-117265911-T-G.
Other names: c.2922+4T>G (NM_001271933.2).
Identifiers: ClinVar variation 2419580 (VCV002419580.5), dbSNP rs1293662284, ClinGen allele CA602137506.

ClinVar aggregate classification (germline): Uncertain significance (1 of 4 stars; one submission).

Conditions:
Nephronophthisis 15 (NPHP15). Identifiers: Orphanet 3156, MedGen C3541853, MONDO:0013917, OMIM 614845.

Allele frequency attached by ClinVar (database versions not stated): TOPMed 0.00002.
gnomAD v4.1: 2 of 1,613,366 alleles (0.00012%); highest among the groups gnomAD compares: East Asian, 0.0045%; no homozygotes.

Submission:

Labcorp Genetics (formerly Invitae), Labcorp
Classification: Uncertain significance for Nephronophthisis 15. Last evaluated: 2023-12-11. Review status: criteria provided, single submitter. Criteria: Invitae Variant Classification Sherloc (09022015). Collection method: clinical testing. Allele origin: germline.
Comment: This sequence change falls in intron 23 of the CEP164 gene. It does not directly change the encoded amino acid sequence of the CEP164 protein. It affects a nucleotide within the consensus splice site. This variant is present in population databases (no rsID available, gnomAD 0.006%). This variant has not been reported in the literature in individuals affected with CEP164-related conditions. ClinVar contains an entry for this variant (Variation ID: 2419580). Variants that disrupt the consensus splice site are a relatively common cause of aberrant splicing (PMID: 17576681, 9536098). Algorithms developed to predict the effect of sequence changes on RNA splicing suggest that this variant is not likely to affect RNA splicing. In summary, the available evidence is currently insufficient to determine the role of this variant in disease. Therefore, it has been classified as a Variant of Uncertain Significance.

Literature cited by the submitters: PubMed 17576681; PubMed 9536098.